The following is an entry in ClinVar:

ClinVar aggregate classification (germline): Uncertain significance. Review status: criteria provided, multiple submitters, no conflicts (2 of 4 stars). 2 submissions from 2 submitters: Uncertain significance (2). Last evaluated 2024-10-01.

Conditions:
Inborn genetic diseases. Identifiers: MedGen C0950123, MeSH D030342.

Allele frequency attached by ClinVar (database versions not stated): TOPMed below 0.00001; gnomAD 0.00001; ExAC 0.00002.

Submissions (2):

Ambry Genetics
Classification: Uncertain significance for Inborn genetic diseases. Last evaluated: 2024-10-01. Review status: criteria provided, single submitter. Criteria: Ambry Variant Classification Scheme 2023. Collection method: clinical testing. Allele origin: germline.

Labcorp Genetics (formerly Invitae), Labcorp
Classification: Uncertain significance. Last evaluated: 2022-06-27. Review status: criteria provided, single submitter. Criteria: Invitae Variant Classification Sherloc (09022015). Collection method: clinical testing. Allele origin: germline.
Comment: This sequence change replaces glycine, which is neutral and non-polar, with arginine, which is basic and polar, at codon 239 of the SLC9A3 protein (p.Gly239Arg). This variant is present in population databases (rs759490208, gnomAD 0.01%). This variant has not been reported in the literature in individuals affected with SLC9A3-related conditions. Algorithms developed to predict the effect of missense changes on protein structure and function are either unavailable or do not agree on the potential impact of this missense change (SIFT: "Not Available"; PolyPhen-2: "Possibly Damaging"; Align-GVGD: "Not Available"). In summary, the available evidence is currently insufficient to determine the role of this variant in disease. Therefore, it has been classified as a Variant of Uncertain Significance.

NM_004174.4(SLC9A3):c.715G>C (p.Gly239Arg)

Gene: SLC9A3 (solute carrier family 9 member A3). Cytogenetic location: 5p15.33.
Variant type: single nucleotide variant.
Coding change: c.715G>C on transcript NM_004174.4 (MANE Select); coding-DNA position 715, G replaced by C.
Protein change: p.Gly239Arg; replaces glycine 239 with arginine.
Molecular consequence: missense variant.
Genome position (GRCh38, 1-based): chr5:485,192, C>G on the plus strand (G>C on the coding strand, the complement: SLC9A3 is on the minus strand). VCF-style: chr5-485192-C-G. GRCh37 (hg19) VCF-style: chr5-485307-C-G.
Other names: c.715G>C, p.Gly239Arg (NM_001284351.3); c.715G>C (NM_004174.2); short protein forms G239R.
Identifiers: ClinVar variation 1910567 (VCV001910567.3), dbSNP rs759490208, ClinGen allele CA3176230.